The following is an entry in ClinVar:

NM_000051.4(ATM):c.56G>C (p.Arg19Thr)

Gene: ATM (ATM serine/threonine kinase; plus strand). Cytogenetic location: 11q22.3.
Variant type: single nucleotide variant.
Coding change: c.56G>C on transcript NM_000051.4 (MANE Select); coding-DNA position 56, G replaced by C.
Protein change: p.Arg19Thr; replaces arginine 19 with threonine.
Molecular consequence: missense variant.
Genome position (GRCh38, 1-based): chr11:108,227,680, G>C. VCF-style: chr11-108227680-G-C. GRCh37 (hg19) VCF-style: chr11-108098407-G-C.
Other names: c.56G>C, p.Arg19Thr (NM_001351834.2, NM_001351835.2, NM_001351836.2); short protein forms R19T.
Identifiers: ClinVar variation 629611 (VCV000629611.16), dbSNP rs1064793029, ClinGen allele CA382519285.

ClinVar aggregate classification (germline): Uncertain significance. Review status: criteria provided, multiple submitters, no conflicts (2 of 4 stars). 3 submissions from 3 submitters: Uncertain significance (3). Last evaluated 2023-12-05.

Conditions:
Ataxia-telangiectasia syndrome (AT). Also called: ATAXIA-TELANGIECTASIA, COMPLEMENTATION GROUP A; ATAXIA-TELANGIECTASIA, FRESNO VARIANT; LOUIS-BAR SYNDROME; Ataxia telangiectasia (A-T); Cerebello-oculocutaneous telangiectasia; Immunodeficiency with ataxia telangiectasia. Identifiers: Orphanet 100, MedGen C0004135, MONDO:0008840, OMIM 208900.
Hereditary cancer-predisposing syndrome. Also called: Tumor predisposition; Neoplastic Syndromes, Hereditary; Hereditary Cancer Syndrome; Hereditary neoplastic syndrome. Identifiers: Orphanet 140162, MedGen C0027672, MeSH D009386, MONDO:0015356.

Submissions (3):

Color Diagnostics, LLC DBA Color Health
Classification: Uncertain significance for Hereditary cancer-predisposing syndrome. Last evaluated: 2023-12-05. Review status: criteria provided, single submitter. Criteria: ACMG Guidelines, 2015. Collection method: clinical testing. Allele origin: germline.
Comment: This missense variant replaces arginine with threonine at codon 19 of the ATM protein. Computational prediction suggests that this variant may not impact protein structure and function (internally defined REVEL score threshold <= 0.5, PMID: 27666373). To our knowledge, functional studies have not been reported for this variant. This variant has not been reported in individuals affected with ATM-related disorders in the literature. This variant has not been identified in the general population by the Genome Aggregation Database (gnomAD). The available evidence is insufficient to determine the role of this variant in disease conclusively. Therefore, this variant is classified as a Variant of Uncertain Significance.

Ambry Genetics
Classification: Uncertain significance for Hereditary cancer-predisposing syndrome. Last evaluated: 2020-04-30. Review status: criteria provided, single submitter. Criteria: Ambry Variant Classification Scheme 2023. Collection method: clinical testing. Allele origin: germline.
Comment: The p.R19T variant (also known as c.56G>C), located in coding exon 1 of the ATM gene, results from a G to C substitution at nucleotide position 56. The arginine at codon 19 is replaced by threonine, an amino acid with similar properties. This amino acid position is not well conserved in available vertebrate species. In addition, this alteration is predicted to be tolerated by in silico analysis. Since supporting evidence is limited at this time, the clinical significance of this alteration remains unclear.

Labcorp Genetics (formerly Invitae), Labcorp
Classification: Uncertain significance for Ataxia-telangiectasia syndrome. Last evaluated: 2019-09-20. Review status: criteria provided, single submitter. Criteria: Invitae Variant Classification Sherloc (09022015). Collection method: clinical testing. Allele origin: germline.
Comment: In summary, the available evidence is currently insufficient to determine the role of this variant in disease. Therefore, it has been classified as a Variant of Uncertain Significance. Algorithms developed to predict the effect of missense changes on protein structure and function (SIFT, PolyPhen-2, Align-GVGD) all suggest that this variant is likely to be disruptive, but these predictions have not been confirmed by published functional studies and their clinical significance is uncertain. This variant has not been reported in the literature in individuals with ATM-related conditions. ClinVar contains an entry for this variant (Variation ID: 629611). This variant is not present in population databases (ExAC no frequency). This sequence change replaces arginine with threonine at codon 19 of the ATM protein (p.Arg19Thr). The arginine residue is moderately conserved and there is a moderate physicochemical difference between arginine and threonine.